The following is an entry in ClinVar:

ClinVar aggregate classification (germline): Likely pathogenic (1 of 4 stars; one submission).

Conditions:
Hermansky-Pudlak syndrome 3 (HPS3). Identifiers: Orphanet 231512, Orphanet 79430, MedGen C3888001, MONDO:0013555, OMIM 614072.

Submission:

Myriad Genetics, Inc.
Classification: Likely pathogenic for Hermansky-Pudlak syndrome 3. Last evaluated: 2022-03-31. Review status: criteria provided, single submitter. Criteria: Myriad Women's Health Autosomal Recessive and X-Linked Classification Criteria (2021). Collection method: clinical testing. Allele origin: unknown.
Comment: NM_032383.3(HPS3):c.1814delG(G605Dfs*2) is expected to be pathogenic in the context of Hermansky-Pudlak syndrome type 3. This variant is predicted to lead to an abnormal or absent protein product due to the creation of a premature termination codon in HPS3, a gene where loss-of-function variants are known to be pathogenic. Please note: this variant was assessed in the context of healthy population screening.

NM_032383.5(HPS3):c.1814del (p.Gly605fs)

Gene: HPS3 (HPS3 biogenesis of lysosomal organelles complex 2 subunit 1; plus strand). Cytogenetic location: 3q24.
Variant type: Deletion.
Coding change: c.1814del on transcript NM_032383.5 (MANE Select); coding-DNA position 1814, one base deleted (G; older notation c.1814delG).
Protein change: p.Gly605fs; shifts the reading frame from glycine 605.
Molecular consequence: frameshift variant.
Genome position (GRCh38, 1-based): chr3:149,158,788, G deleted; the last of 2 consecutive G bases (chr3:149,158,787-149,158,788); deleting either gives the same sequence. VCF-style (leftmost placement, unchanged base first): chr3-149158786-AG-A. GRCh37 (hg19) VCF-style: chr3-148876573-AG-A.
Other names: c.1319del, p.Gly440fs (NM_001308258.2); short protein forms G440fs, G605fs.
Identifiers: ClinVar variation 1725760 (VCV001725760.2), dbSNP rs2473110376, ClinGen allele CA2580068935.